The following is an entry in ClinVar:

ClinVar aggregate classification (germline): Likely benign. Review status: criteria provided, multiple submitters, no conflicts (2 of 4 stars). 2 submissions from 2 submitters: Likely benign (2). Last evaluated 2025-12-23.

Conditions:
Charcot-Marie-Tooth disease type 2. Also called: Charcot-Marie-Tooth type 2. Identifiers: Orphanet 64746, MedGen C0270914, MONDO:0018993.
Neuroblastoma (NB). Identifiers: Orphanet 635, MedGen C0027819, MeSH D009447, MONDO:0005072, HP:0003006.

Allele frequency attached by ClinVar (database versions not stated): gnomAD exomes 0.00002 and 0.00003; ExAC 0.00003; gnomAD 0.00015; 1000 Genomes Project 30x 0.00016; TOPMed 0.00019; 1000 Genomes Project 0.00020; ESP Exome Variant Server 0.00008.
gnomAD v4.1: 49 of 1,601,872 alleles (0.0031%); highest among the groups gnomAD compares: African/African-American, 0.044%; no homozygotes.

Submissions (2):

Labcorp Genetics (formerly Invitae), Labcorp
Classification: Likely benign for Charcot-Marie-Tooth disease type 2. Last evaluated: 2025-12-23. Review status: criteria provided, single submitter. Criteria: Invitae Variant Classification Sherloc (09022015). Collection method: clinical testing. Allele origin: germline.

Illumina Laboratory Services, Illumina
Classification: Likely benign for Neuroblastoma. Last evaluated: 2018-01-12. Review status: criteria provided, single submitter. Criteria: ICSL Variant Classification Criteria 13 December 2019. Collection method: clinical testing. Allele origin: germline.
Comment: This variant was observed in the ICSL laboratory as part of a predisposition screen in an ostensibly healthy population. It had not been previously curated by ICSL or reported in the Human Gene Mutation Database (HGMD: prior to June 1st, 2018), and was therefore a candidate for classification through an automated scoring system. Utilizing variant allele frequency, disease prevalence and penetrance estimates, and inheritance mode, an automated score was calculated to assess if this variant is too frequent to cause the disease. Based on the score and internal cut-off values, a variant classified as likely benign is not then subjected to further curation. The score for this variant resulted in a classification of likely benign for this disease.

NM_001365951.3(KIF1B):c.429+7A>G

Genes: KIF1B (kinesin family member 1B; plus strand), LOC129388447 (MPRA-validated peak65 silencer; plus strand). Cytogenetic location: 1p36.22.
Variant type: single nucleotide variant.
Coding change: c.429+7A>G on transcript NM_001365951.3 (MANE Select); 7 bases into the intron after coding-DNA position 429, A replaced by G.
Molecular consequence: intron variant.
Genome position (GRCh38, 1-based): chr1:10,261,977, A>G. VCF-style: chr1-10261977-A-G. GRCh37 (hg19) VCF-style: chr1-10322035-A-G.
Other names: c.429+7A>G (NM_183416.4, NM_015074.3, NM_001365952.1 and 1 more transcripts).
Identifiers: ClinVar variation 875478 (VCV000875478.8), dbSNP rs370895789, ClinGen allele CA580694.